The following is an entry in ClinVar:

NM_001013839.4(EXOC7):c.228T>A (p.Asn76Lys)

Gene: EXOC7 (exocyst complex component 7; minus strand). Cytogenetic location: 17q25.1.
Variant type: single nucleotide variant.
Coding change: c.228T>A on transcript NM_001013839.4 (MANE Select); coding-DNA position 228, T replaced by A.
Protein change: p.Asn76Lys; replaces asparagine 76 with lysine.
Molecular consequence: missense variant.
Genome position (GRCh38, 1-based): chr17:76,101,762, A>T on the plus strand (T>A on the coding strand, the complement: EXOC7 is on the minus strand). VCF-style: chr17-76101762-A-T. GRCh37 (hg19) VCF-style: chr17-74097843-A-T.
Other names: c.105T>A, p.Asn35Lys (NM_001145296.1, NM_001282313.2); c.228T>A, p.Asn76Lys (NM_001145297.4, NM_001145298.4, NM_001145299.4 and 5 more transcripts); short protein forms N76K, N35K.
Identifiers: ClinVar variation 2227713 (VCV002227713.2), dbSNP rs766766866, ClinGen allele CA8781752.

ClinVar aggregate classification (germline): Uncertain significance (1 of 4 stars; one submission).

Conditions:
Inborn genetic diseases. Identifiers: MedGen C0950123, MeSH D030342.

gnomAD v4.1: 12 of 1,614,014 alleles (0.00074%); highest among the groups gnomAD compares: East Asian, 0.027%; no homozygotes.

Submission:

Ambry Genetics
Classification: Uncertain significance for Inborn genetic diseases. Last evaluated: 2020-10-30. Review status: criteria provided, single submitter. Criteria: Ambry Variant Classification Scheme 2023. Collection method: clinical testing. Allele origin: germline.
Comment: The c.228T>A (p.N76K) alteration is located in exon 3 (coding exon 3) of the EXOC7 gene. This alteration results from a T to A substitution at nucleotide position 228, causing the asparagine (N) at amino acid position 76 to be replaced by a lysine (K). Based on data from the Genome Aggregation Database (gnomAD) database, the EXOC7 c.228T>A alteration was observed in 0.002% (6/251446) of total alleles studied, with a frequency of 0.03% (6/18394) in the East Asian subpopulation. This amino acid position is highly conserved in available vertebrate species. Based on insufficient or conflicting evidence, the clinical significance of this alteration remains unclear.